The following is an entry in ClinVar:

ClinVar aggregate classification (germline): Likely benign (1 of 4 stars; one submission).

Allele frequency attached by ClinVar (database versions not stated): ExAC 0.00010; 1000 Genomes Project 30x 0.00016; 1000 Genomes Project 0.00020.

Submission:

CeGaT Center for Human Genetics Tuebingen
Classification: Likely benign. Last evaluated: 2022-08-01. Review status: criteria provided, single submitter. Criteria: CeGaT Center For Human Genetics Tuebingen Variant Classification Criteria Version 2. Collection method: clinical testing. Allele origin: germline. Affected: yes. Observed: 1 variant allele.
Comment: ZP1: BP4, BP7

NM_207341.4(ZP1):c.1815G>A (p.Ala605=)

Gene: ZP1 (zona pellucida glycoprotein 1; plus strand). Cytogenetic location: 11q12.2.
Variant type: single nucleotide variant.
Coding change: c.1815G>A on transcript NM_207341.4 (MANE Select); coding-DNA position 1815, G replaced by A.
Protein change: p.Ala605=; no amino-acid change (alanine 605 retained).
Molecular consequence: synonymous variant.
Genome position (GRCh38, 1-based): chr11:60,875,554, G>A. VCF-style: chr11-60875554-G-A. GRCh37 (hg19) VCF-style: chr11-60643027-G-A.
Other names: c.936G>A, p.Ala312= (NM_001391943.1); c.621G>A, p.Ala207= (NM_001391944.1).
Identifiers: ClinVar variation 2641816 (VCV002641816.24), dbSNP rs557095250, ClinGen allele CA6027752.